The following is an entry in ClinVar:

NM_033400.3(ZFHX2):c.6400G>A (p.Gly2134Arg)

Genes: THTPA (thiamine triphosphatase; plus strand), ZFHX2 (zinc finger homeobox 2; minus strand). Cytogenetic location: 14q11.2.
Variant type: single nucleotide variant.
Coding change: c.6400G>A on transcript NM_033400.3 (MANE Select); coding-DNA position 6400, G replaced by A.
Protein change: p.Gly2134Arg; replaces glycine 2134 with arginine.
Molecular consequence: missense variant.
Genome position (GRCh38, 1-based): chr14:23,523,542, C>T on the plus strand (G>A on the coding strand, the complement: ZFHX2 is on the minus strand). VCF-style: chr14-23523542-C-T. GRCh37 (hg19) VCF-style: chr14-23992751-C-T.
Other names: short protein forms G2134R.
Identifiers: ClinVar variation 3026138 (VCV003026138.22), dbSNP rs1878315180, ClinGen allele CA389017309.
Genomic context (GRCh38, chr14:23,523,542, plus strand): 5'-TGACATCACAATAGGGGCAGTCAGTGCGCTGGGCTGCTAAGAGGCCCTCACTGCTGCCCC[C>T]AGTGCTCCCAGCGGCTGTCCCCTGTAGTTTGGCCTTCTTTTCCTTGGCACGAGCATTCTG-3'
Protein context (NP_207646.2, residues 2124-2144): KLQGTAAGST[Gly2134Arg]GSSEGLLAAQ

ClinVar aggregate classification (germline): Uncertain significance (1 of 4 stars; one submission).

Allele frequency attached by ClinVar (database versions not stated): gnomAD exomes 0.00001; TOPMed 0.00001.
gnomAD v4.1: 11 of 1,536,806 alleles (0.00072%); highest among the groups gnomAD compares: Non-Finnish European, 0.00096%; no homozygotes.

Submission:

CeGaT Center for Human Genetics Tuebingen
Classification: Uncertain significance. Last evaluated: 2023-12-01. Review status: criteria provided, single submitter. Criteria: CeGaT Center For Human Genetics Tuebingen Variant Classification Criteria Version 2. Collection method: clinical testing. Allele origin: germline. Affected: yes. Observed: 1 variant allele.
Comment: ZFHX2: PM2, BP4